The following is an entry in ClinVar:

ClinVar aggregate classification (germline): Conflicting classifications of pathogenicity. Review status: criteria provided, conflicting classifications (1 of 4 stars). 5 submissions from 5 submitters: Uncertain significance (1); Benign (1); Likely benign (3). Last evaluated 2026-01-09.

Conditions:
BAP1-related disorder. Also called: BAP1-related condition.
BAP1-related tumor predisposition syndrome (TPDS1). Also called: Tumor susceptibility linked to germline BAP1 mutations; BAP1 tumor predisposition syndrome; COMMON Syndrome; TUMOR PREDISPOSITION SYNDROME 1. Identifiers: Orphanet 289539, MedGen C3280492, MONDO:0013692, OMIM 614327.
Hereditary cancer-predisposing syndrome. Also called: Tumor predisposition; Hereditary Cancer Syndrome; Neoplastic Syndromes, Hereditary; Hereditary neoplastic syndrome. Identifiers: Orphanet 140162, MedGen C0027672, MeSH D009386, MONDO:0015356.

Submissions (5):

PreventionGenetics, part of Exact Sciences
Classification: Likely benign for BAP1-related condition. Last evaluated: 2026-01-09. Review status: criteria provided, single submitter. Criteria: ACMG Guidelines, 2015. Collection method: clinical testing. Allele origin: germline.
Comment: This variant is classified as likely benign based on ACMG/AMP sequence variant interpretation guidelines (Richards et al. 2015 PMID: 25741868, with internal and published modifications).

Color Diagnostics, LLC DBA Color Health
Classification: Uncertain significance for Hereditary cancer-predisposing syndrome. Last evaluated: 2025-04-28. Review status: criteria provided, single submitter. Criteria: ACMG Guidelines, 2015. Collection method: clinical testing. Allele origin: germline.
Comment: This variant is located in the BAP1 protein. To our knowledge, functional studies have not been reported for this variant. This variant has not been reported in individuals affected with BAP1-related disorders in the literature. This variant has not been identified in the general population by the Genome Aggregation Database (gnomAD). The available evidence is insufficient to determine the role of this variant in disease conclusively. Therefore, this variant is classified as a Variant of Uncertain Significance.

Myriad Genetics, Inc.
Classification: Benign for BAP1-related tumor predisposition syndrome. Last evaluated: 2024-07-16. Review status: criteria provided, single submitter. Criteria: Myriad Autosomal Dominant, Autosomal Recessive and X-Linked Classification Criteria (2023). Collection method: clinical testing. Allele origin: unknown.
Comment: This variant is considered benign. This variant is a silent/synonymous amino acid change and it is not expected to impact splicing.

Labcorp Genetics (formerly Invitae), Labcorp
Classification: Likely benign for BAP1-related tumor predisposition syndrome. Last evaluated: 2024-02-11. Review status: criteria provided, single submitter. Criteria: Invitae Variant Classification Sherloc (09022015). Collection method: clinical testing. Allele origin: germline.

Ambry Genetics
Classification: Likely benign for Hereditary cancer-predisposing syndrome. Last evaluated: 2020-11-21. Review status: criteria provided, single submitter. Criteria: Ambry Variant Classification Scheme 2023. Collection method: clinical testing. Allele origin: germline.

NM_004656.4(BAP1):c.1560C>T (p.Ser520=)

Gene: BAP1 (BRCA1 associated deubiquitinase 1; minus strand). Cytogenetic location: 3p21.1.
Variant type: single nucleotide variant.
Coding change: c.1560C>T on transcript NM_004656.4 (MANE Select); coding-DNA position 1560, C replaced by T.
Protein change: p.Ser520=; no amino-acid change (serine 520 retained).
Molecular consequence: synonymous variant.
Genome position (GRCh38, 1-based): chr3:52,403,585, G>A on the plus strand (C>T on the coding strand, the complement: BAP1 is on the minus strand). VCF-style: chr3-52403585-G-A. GRCh37 (hg19) VCF-style: chr3-52437601-G-A.
Other names: c.1560C>T (NM_004656.3).
Identifiers: ClinVar variation 1132803 (VCV001132803.11), dbSNP rs1431047415, ClinGen allele CA433886184.